The following is an entry in ClinVar:

ClinVar aggregate classification (germline): Uncertain significance (1 of 4 stars; one submission).

Submission:

Greenwood Genetic Center Diagnostic Laboratories, Greenwood Genetic Center
Classification: Uncertain significance. Last evaluated: 2026-04-10. Review status: criteria provided, single submitter. Criteria: ACMG Guidelines, 2015. Collection method: clinical testing. Allele origin: germline.
Comment: PM2, PP2

NM_001377142.1(PLCB4):c.2123A>G (p.Asp708Gly)

Gene: PLCB4 (phospholipase C beta 4; plus strand). Cytogenetic location: 20p12.2.
Variant type: single nucleotide variant.
Coding change: c.2123A>G on transcript NM_001377142.1 (MANE Select); coding-DNA position 2123, A replaced by G.
Protein change: p.Asp708Gly; replaces aspartic acid 708 with glycine.
Molecular consequence: missense variant.
Genome position (GRCh38, 1-based): chr20:9,419,878, A>G. VCF-style: chr20-9419878-A-G. GRCh37 (hg19) VCF-style: chr20-9400525-A-G.
Other names: c.2087A>G, p.Asp696Gly (NM_000933.4, NM_001377134.2, NM_001377135.1 and 2 more transcripts); c.2123A>G, p.Asp708Gly (NM_001172646.2, NM_001377143.1); short protein forms D696G, D708G.
Identifiers: ClinVar variation 4891209 (VCV004891209.1).
Genomic context (GRCh38, chr20:9,419,878, plus strand): 5'-AACCAGATTTCATGAGGCGGCCTGATCGAACATTTGACCCCTTCTCTGAAACTCCTGTTG[A>G]TGGTGTTATTGCAGCCACTTGCTCAGTGCAGGTAAGGCCCCTGCTCATCACAAGGTAGTA-3'
Protein context (NP_001364071.1, residues 698-718): TFDPFSETPV[Asp708Gly]GVIAATCSVQ